The following is an entry in ClinVar:

NM_002047.4(GARS1):c.794C>T (p.Ser265Phe)

Gene: GARS1 (glycyl-tRNA synthetase 1; plus strand). Cytogenetic location: 7p14.3.
Variant type: single nucleotide variant.
Coding change: c.794C>T on transcript NM_002047.4 (MANE Select); coding-DNA position 794, C replaced by T.
Protein change: p.Ser265Phe; replaces serine 265 with phenylalanine.
Molecular consequence: missense variant.
Genome position (GRCh38, 1-based): chr7:30,609,643, C>T. VCF-style: chr7-30609643-C-T. GRCh37 (hg19) VCF-style: chr7-30649259-C-T.
Other names: c.794C>T (LRG_243t1); c.632C>T, p.Ser211Phe (NM_001316772.1); short protein forms S265F, S211F.
Identifiers: ClinVar variation 476762 (VCV000476762.13), dbSNP rs1554337974, ClinGen allele CA367124351.
Genomic context (GRCh38, chr7:30,609,643, plus strand): 5'-AGCTTGATAACTATGGACAGCAAGAACTTGCGGATCTTTTTGTGAACTATAATGTAAAAT[C>T]TCCCATTACTGGAAATGATCTATCCCCTCCAGTGTCTTTTAACTTAATGTTCAAGACTTT-3'
Protein context (NP_002038.2, residues 255-275): ADLFVNYNVK[Ser265Phe]PITGNDLSPP

ClinVar aggregate classification (germline): Pathogenic/Likely pathogenic. Review status: criteria provided, multiple submitters, no conflicts (2 of 4 stars). 5 submissions from 5 submitters: Pathogenic (2); Likely pathogenic (1). 2 of the submissions do not count toward it. Last evaluated 2024-02-27.

Conditions:
Neuronopathy, distal hereditary motor, type 5. Also called: HMN 5A; NEUROPATHY, DISTAL HEREDITARY MOTOR, HARDING TYPE VA; SPINAL MUSCULAR ATROPHY, DISTAL, HARDING TYPE VA; SPINAL MUSCULAR ATROPHY, DISTAL, HARDING TYPE V; NEURONOPATHY, DISTAL HEREDITARY MOTOR, HARDING TYPE VA; NEURONOPATHY, DISTAL HEREDITARY MOTOR, HARDING TYPE V. Identifiers: Orphanet 139536, MedGen C1833308, MONDO:0100350.
Charcot-Marie-Tooth disease type 2. Also called: Charcot-Marie-Tooth type 2. Identifiers: Orphanet 64746, MedGen C0270914, MONDO:0018993.
Charcot-Marie-Tooth disease. Also called: Charcot-Marie-Tooth Neuropathy; Charcot-Marie-Tooth Hereditary Neuropathy. Identifiers: Orphanet 166, MedGen C0007959, MONDO:0015626.

Submissions (5):

Labcorp Genetics (formerly Invitae), Labcorp
Classification: Pathogenic for Charcot-Marie-Tooth disease type 2. Last evaluated: 2024-02-27. Review status: criteria provided, single submitter. Criteria: Invitae Variant Classification Sherloc (09022015). Collection method: clinical testing. Allele origin: germline.
Comment: This sequence change replaces serine, which is neutral and polar, with phenylalanine, which is neutral and non-polar, at codon 265 of the GARS protein (p.Ser265Phe). This variant is not present in population databases (gnomAD no frequency). This missense change has been observed in individuals with Charcot-Marie-Tooth disease and/or distal hereditary motor neuropathy type V (PMID: 23279345, 27862672; Invitae). It has also been observed to segregate with disease in related individuals. This variant is also known as p.Ser211Phe. ClinVar contains an entry for this variant (Variation ID: 476762). Advanced modeling of protein sequence and biophysical properties (such as structural, functional, and spatial information, amino acid conservation, physicochemical variation, residue mobility, and thermodynamic stability) has been performed at Invitae for this missense variant, however the output from this modeling did not meet the statistical confidence thresholds required to predict the impact of this variant on GARS protein function. Experimental studies have shown that this missense change affects GARS function (PMID: 25168514). For these reasons, this variant has been classified as Pathogenic.

Athena Diagnostics
Classification: Pathogenic. Last evaluated: 2020-10-02. Review status: criteria provided, single submitter. Criteria: Athena Diagnostics criteria. Collection method: clinical testing. Allele origin: unknown.
Comment: This variant is also referred to as c.632C>T (p.Ser211Phe) in published literature. This variant has not been reported in large, multi-ethnic general populations. This variant appears to segregate with disease in at least one family, however, the available information does not rule out segregation due to chance. Assessment of experimental evidence suggests this variant results in abnormal protein function. This variant leads to aberrant binding to HDAC6, resulting in reduced alpha-tubulin acetylation, which impairs axonal transportation (PMID: 29520015). Experimental results also indicate this variant severely impairs native aminoacylation activity (PMID: 25168514), however the loss of this function is not related to peripheral neuropathy (PMID: 30643024). Computational tools predict that this variant is damaging.

Eurofins Ntd Llc (ga)
Classification: Likely pathogenic. Last evaluated: 2018-07-18. Review status: criteria provided, single submitter. Criteria: EGL ClinVar v180209 classification definitions. Collection method: clinical testing. Allele origin: germline. Observed: 1 variant allele, 1 heterozygote.

Inherited Neuropathy Consortium Ii, University Of Miami
Classification: Uncertain significance for Neuronopathy, distal hereditary motor, type 5. Last evaluated: 2016-01-06. Review status: no assertion criteria provided. Collection method: literature only. Allele origin: germline. Affected: yes. Not counted in ClinVar's aggregate classification.

Inherited Neuropathy Consortium
Classification: Uncertain significance for Charcot-Marie-Tooth disease. Review status: no assertion criteria provided. Collection method: literature only. Allele origin: germline. Affected: yes. Not counted in ClinVar's aggregate classification.

Literature cited by the submitters: PubMed 23279345 (cited by 4 submitters); PubMed 27862672 (cited by Labcorp Genetics (formerly Invitae), Labcorp and Athena Diagnostics); PubMed 25168514 (cited by Labcorp Genetics (formerly Invitae), Labcorp and Athena Diagnostics); PubMed 24354524 (cited by Athena Diagnostics); PubMed 31591847 (cited by Athena Diagnostics); PubMed 30643024 (cited by Athena Diagnostics); PubMed 29520015 (cited by Athena Diagnostics).